The following is an entry in ClinVar:

ClinVar aggregate classification (germline): Uncertain significance. Review status: criteria provided, multiple submitters, no conflicts (2 of 4 stars). 3 submissions from 3 submitters: Uncertain significance (3). Last evaluated 2024-07-10.

Conditions:
Primary ciliary dyskinesia. Also called: Ciliary dyskinesia. Identifiers: Orphanet 244, MedGen C0008780, MONDO:0016575, HP:0012265.

Allele frequency attached by ClinVar (database versions not stated): gnomAD exomes 0.00001 and 0.00004; ExAC 0.00004; gnomAD 0.00005 and 0.00006; TOPMed 0.00007.
gnomAD v4.1: 28 of 1,597,538 alleles (0.0018%); highest among the groups gnomAD compares: Admixed American, 0.017%; no homozygotes.

Submissions (3):

Ambry Genetics
Classification: Uncertain significance for Primary ciliary dyskinesia. Last evaluated: 2024-07-10. Review status: criteria provided, single submitter. Criteria: Ambry Variant Classification Scheme 2023. Collection method: clinical testing. Allele origin: germline.

Labcorp Genetics (formerly Invitae), Labcorp
Classification: Uncertain significance for Primary ciliary dyskinesia. Last evaluated: 2023-10-03. Review status: criteria provided, single submitter. Criteria: Invitae Variant Classification Sherloc (09022015). Collection method: clinical testing. Allele origin: germline.
Comment: This sequence change replaces alanine, which is neutral and non-polar, with valine, which is neutral and non-polar, at codon 510 of the CCDC114 protein (p.Ala510Val). This variant is present in population databases (rs776156161, gnomAD 0.02%). This variant has not been reported in the literature in individuals affected with CCDC114-related conditions. ClinVar contains an entry for this variant (Variation ID: 1682861). An algorithm developed to predict the effect of missense changes on protein structure and function (PolyPhen-2) suggests that this variant¬†is likely to be tolerated. In summary, the available evidence is currently insufficient to determine the role of this variant in disease. Therefore, it has been classified as a Variant of Uncertain Significance.

Breakthrough Genomics
Classification: Uncertain significance. Review status: criteria provided, single submitter. Criteria: ACMG Guidelines, 2015. Collection method: not provided. Allele origin: germline. Inheritance: Autosomal dominant inheritance. Affected: yes.

NM_001364171.2(ODAD1):c.1640C>T (p.Ala547Val)

Gene: ODAD1 (outer dynein arm docking complex subunit 1; minus strand). Cytogenetic location: 19q13.33.
Variant type: single nucleotide variant.
Coding change: c.1640C>T on transcript NM_001364171.2 (MANE Select); coding-DNA position 1640, C replaced by T.
Protein change: p.Ala547Val; replaces alanine 547 with valine.
Molecular consequence: missense variant.
Genome position (GRCh38, 1-based): chr19:48,297,460, G>A on the plus strand (C>T on the coding strand, the complement: ODAD1 is on the minus strand). VCF-style: chr19-48297460-G-A. GRCh37 (hg19) VCF-style: chr19-48800717-G-A.
Other names: c.1529C>T, p.Ala510Val (NM_144577.4); short protein forms A510V, A547V.
Identifiers: ClinVar variation 1682861 (VCV001682861.11), dbSNP rs776156161, ClinGen allele CA9548599.